The following is an entry in ClinVar:

ClinVar aggregate classification (germline): Uncertain significance (1 of 4 stars; one submission).

Conditions:
Melanoma, cutaneous malignant, susceptibility to, 5. Also called: Cutaneous malignant melanoma 5. Identifiers: Orphanet 618, MedGen C2751295, MONDO:0013133, OMIM 613099.

Submission:

Labcorp Genetics (formerly Invitae), Labcorp
Classification: Uncertain significance for Melanoma, cutaneous malignant, susceptibility to, 5. Last evaluated: 2022-03-14. Review status: criteria provided, single submitter. Criteria: Invitae Variant Classification Sherloc (09022015). Collection method: clinical testing. Allele origin: germline.
Comment: This sequence change disrupts the translational stop signal of the MC1R mRNA. It is expected to extend the length of the MC1R protein by 16 additional amino acid residues. This variant is not present in population databases (gnomAD no frequency). This variant has not been reported in the literature in individuals affected with MC1R-related conditions. Experimental studies and prediction algorithms are not available or were not evaluated, and the functional significance of this variant is currently unknown. In summary, the available evidence is currently insufficient to determine the role of this variant in disease. Therefore, it has been classified as a Variant of Uncertain Significance.

NM_002386.4(MC1R):c.951dup (p.Ter318ValextTer?)

Gene: MC1R (melanocortin 1 receptor; plus strand). Cytogenetic location: 16q24.3.
Variant type: Duplication.
Coding change: c.951dup on transcript NM_002386.4 (MANE Select); coding-DNA position 951, one base duplicated (G; older notation c.951dupG).
Protein change: p.Ter318ValextTer?.
Molecular consequence: frameshift variant, stop lost.
Genome position (GRCh38, 1-based): chr16:89,920,209, G duplicated; the last of 2 consecutive G bases (chr16:89,920,208-89,920,209); duplicating either gives the same sequence. VCF-style (leftmost placement, unchanged base first): chr16-89920207-T-TG. GRCh37 (hg19) VCF-style: chr16-89986615-T-TG.
Identifiers: ClinVar variation 2419847 (VCV002419847.6), dbSNP rs2544610848, ClinGen allele CA2580092419.